The following is an entry in ClinVar:

NM_000264.5(PTCH1):c.2552G>C (p.Trp851Ser)

Genes: PTCH1 (patched 1; minus strand), LOC100507346 (uncharacterized LOC100507346; plus strand). Cytogenetic location: 9q22.32.
Variant type: single nucleotide variant.
Coding change: c.2552G>C on transcript NM_000264.5 (MANE Select); coding-DNA position 2552, G replaced by C.
Protein change: p.Trp851Ser; replaces tryptophan 851 with serine.
Molecular consequence: missense variant. On other transcripts: non-coding transcript variant (2).
Genome position (GRCh38, 1-based): chr9:95,467,124, C>G on the plus strand (G>C on the coding strand, the complement: PTCH1 is on the minus strand). VCF-style: chr9-95467124-C-G. GRCh37 (hg19) VCF-style: chr9-98229406-C-G.
Other names: c.2354G>C, p.Trp785Ser (NM_001083602.3); c.2549G>C, p.Trp850Ser (NM_001083603.3); c.2099G>C, p.Trp700Ser (NM_001083604.3, NM_001083605.3, NM_001083606.3 and 1 more transcripts); c.2396G>C, p.Trp799Ser (NM_001354918.2); short protein forms W785S, W700S, W799S, W850S, W851S.
Identifiers: ClinVar variation 4992471 (VCV004992471.1).

ClinVar aggregate classification (germline): Likely pathogenic (1 of 4 stars; one submission).

Conditions:
PTCH1-related disorder. Also called: PTCH1-related disorders; PTCH1-related condition.

Submission:

PreventionGenetics, part of Exact Sciences
Classification: Likely pathogenic for PTCH1-related condition. Last evaluated: 2026-02-24. Review status: criteria provided, single submitter. Criteria: ACMG Guidelines, 2015. Collection method: clinical testing. Allele origin: germline.
Comment: The PTCH1 c.2552G>C variant is predicted to result in the amino acid substitution p.Trp851Ser. To our knowledge, this variant has not been reported in the literature. An alternate substitution of this amino acid residue (p.Trp851Cys) has been reported as de novo in an individual with PTCH1-associated disease (Table S7, Stranneheim et al. 2021. PubMed ID: 33726816). This variant is absent in a large population database (gnomAD), indicating this variant is rare. This variant is interpreted as likely pathogenic.